The following is an entry in ClinVar:

NM_001378477.3(NYX):c.160G>A (p.Glu54Lys)

Gene: NYX (nyctalopin; plus strand). Cytogenetic location: Xp11.4.
Variant type: single nucleotide variant.
Coding change: c.160G>A on transcript NM_001378477.3 (MANE Select); coding-DNA position 160, G replaced by A.
Protein change: p.Glu54Lys; replaces glutamic acid 54 with lysine.
Molecular consequence: missense variant.
Genome position (GRCh38, 1-based): chrX:41,473,628, G>A. VCF-style: chrX-41473628-G-A. GRCh37 (hg19) VCF-style: chrX-41332881-G-A.
Other names: c.160G>A, p.Glu54Lys (NM_022567.3); c.175G>A (NM_022567.2); short protein forms E54K.
Identifiers: ClinVar variation 1022485 (VCV001022485.9), dbSNP rs1245341502, ClinGen allele CA412989524.

ClinVar aggregate classification (germline): Uncertain significance. Review status: criteria provided, multiple submitters, no conflicts (2 of 4 stars). 2 submissions from 2 submitters: Uncertain significance (2). Last evaluated 2025-04-16.

Conditions:
Inborn genetic diseases. Identifiers: MedGen C0950123, MeSH D030342.

Allele frequency attached by ClinVar (database versions not stated): gnomAD exomes below 0.00001; gnomAD 0.00001; TOPMed 0.00002.
gnomAD v4.1: 3 of 1,057,522 alleles (0.00028%); highest among the groups gnomAD compares: Admixed American, 0.0038%; no homozygotes.

Submissions (2):

Ambry Genetics
Classification: Uncertain significance for Inborn genetic diseases. Last evaluated: 2025-04-16. Review status: criteria provided, single submitter. Criteria: Ambry Variant Classification Scheme 2023. Collection method: clinical testing. Allele origin: germline.

Labcorp Genetics (formerly Invitae), Labcorp
Classification: Uncertain significance. Last evaluated: 2022-05-25. Review status: criteria provided, single submitter. Criteria: Invitae Variant Classification Sherloc (09022015). Collection method: clinical testing. Allele origin: germline.
Comment: This sequence change replaces glutamic acid, which is acidic and polar, with lysine, which is basic and polar, at codon 59 of the NYX protein (p.Glu59Lys). In summary, the available evidence is currently insufficient to determine the role of this variant in disease. Therefore, it has been classified as a Variant of Uncertain Significance. Algorithms developed to predict the effect of missense changes on protein structure and function are either unavailable or do not agree on the potential impact of this missense change (SIFT: "Deleterious"; PolyPhen-2: "Probably Damaging"; Align-GVGD: "Class C15"). ClinVar contains an entry for this variant (Variation ID: 1022485). This variant has not been reported in the literature in individuals affected with NYX-related conditions. The frequency data for this variant in the population databases is considered unreliable, as metrics indicate insufficient coverage at this position in the gnomAD database.